The following is an entry in ClinVar:

ClinVar aggregate classification (germline): Conflicting classifications of pathogenicity. Review status: criteria provided, conflicting classifications (1 of 4 stars). 3 submissions from 3 submitters: Uncertain significance (2); Likely benign (1). Last evaluated 2025-09-03.

Conditions:
Hereditary cancer-predisposing syndrome. Also called: Neoplastic Syndromes, Hereditary; Hereditary Cancer Syndrome; Tumor predisposition; Hereditary neoplastic syndrome. Identifiers: Orphanet 140162, MedGen C0027672, MeSH D009386, MONDO:0015356.
Von Hippel-Lindau syndrome (VHLS). Also called: Von Hippel-Lindau; VHL syndrome; von Hippel–Lindau syndrome. Identifiers: Orphanet 892, MedGen C0019562, MONDO:0008667, OMIM 193300. Disease mechanism: loss of function.
Chuvash polycythemia. Also called: POLYCYTHEMIA, VHL-DEPENDENT. Identifiers: Orphanet 238557, MedGen C1837915, MONDO:0009892, OMIM 263400.

Submissions (3):

Ambry Genetics
Classification: Uncertain significance for Hereditary cancer-predisposing syndrome. Last evaluated: 2025-09-03. Review status: criteria provided, single submitter. Criteria: Ambry Variant Classification Scheme 2023. Collection method: clinical testing. Allele origin: germline.
Comment: The p.M1? variant (also known as c.3G>C), located in coding exon 1 of the VHL gene, results from a G to C substitution at nucleotide position 3. This alters the methionine residue at the initiation codon. Variations that modify the initiation codon (ATG) are expected to result in either loss of translation initiation or N-terminal truncation; however, an alternate initiation codon exists downstream of this alteration, and is reported to result in a biologically active isoform, known as VHL19 (Schoenfeld A et al. Proc. Natl. Acad. Sci. U.S.A. 1998 Jul; 95(15):8817-22; Iliopoulos O et al. Proc. Natl. Acad. Sci. U.S.A. 1998 Sep; 95(20):11661-6). This amino acid position is well conserved in available vertebrate species. Based on the available evidence, the clinical significance of this variant remains unclear.

Myriad Genetics, Inc.
Classification: Likely benign for Von Hippel-Lindau syndrome. Last evaluated: 2024-08-20. Review status: criteria provided, single submitter. Criteria: Myriad Autosomal Dominant, Autosomal Recessive and X-Linked Classification Criteria (2023). Collection method: clinical testing. Allele origin: unknown.
Comment: This variant is considered likely benign. This variant has been observed at a population frequency that is significantly greater than expected given the associated disease prevalence and penetrance.

Labcorp Genetics (formerly Invitae), Labcorp
Classification: Uncertain significance for Von Hippel-Lindau syndrome; Chuvash polycythemia. Last evaluated: 2024-04-05. Review status: criteria provided, single submitter. Criteria: Invitae Variant Classification Sherloc (09022015). Collection method: clinical testing. Allele origin: germline.
Comment: This sequence change affects the initiator methionine of the VHL mRNA. The next in-frame methionine is located at codon 54. It is unclear whether it will result in an absent or disrupted protein product because an in-frame methionine located at codon 54 has the potential to rescue this variant. This variant is not present in population databases (gnomAD no frequency). Disruption of the initiator codon has been observed in individual(s) with breast cancer and/or pilocytic astrocytoma (PMID: 30093976, 33840814). ClinVar contains an entry for this variant (Variation ID: 582995). Several studies have shown that the VHL protein created from a downstream methionine located at codon 54 is biologically active, and exhibits properties similar to the full-length, wild-type protein (PMID: 9671762, 9751722). In summary, the available evidence is currently insufficient to determine the role of this variant in disease. Therefore, it has been classified as a Variant of Uncertain Significance.

Literature cited by the submitters: PubMed 30093976 (cited by Labcorp Genetics (formerly Invitae), Labcorp); PubMed 33840814 (cited by Labcorp Genetics (formerly Invitae), Labcorp); PubMed 9671762 (cited by Labcorp Genetics (formerly Invitae), Labcorp); PubMed 9751722 (cited by Labcorp Genetics (formerly Invitae), Labcorp).

NM_000551.4(VHL):c.3G>C (p.Met1Ile)

Gene: VHL (von Hippel-Lindau tumor suppressor; plus strand). Cytogenetic location: 3p25.3.
Variant type: single nucleotide variant.
Coding change: c.3G>C on transcript NM_000551.4 (MANE Select); coding-DNA position 3, G replaced by C.
Protein change: p.Met1Ile; changes the start codon (methionine 1).
Molecular consequence: missense variant, initiator codon variant.
Genome position (GRCh38, 1-based): chr3:10,141,850, G>C. VCF-style: chr3-10141850-G-C. GRCh37 (hg19) VCF-style: chr3-10183534-G-C.
Other names: c.3G>C, p.Met1Ile (NM_001354723.2, NM_198156.3); short protein forms M1I.
Identifiers: ClinVar variation 582995 (VCV000582995.14), dbSNP rs578091032, ClinGen allele CA70042122.